The following is an entry in ClinVar:

ClinVar aggregate classification (germline): Uncertain significance (1 of 4 stars; one submission).

gnomAD v4.1: 1 of 1,613,632 alleles (0.000062%); highest among the groups gnomAD compares: Non-Finnish European, 0.000085%; no homozygotes.

Submission:

Labcorp Genetics (formerly Invitae), Labcorp
Classification: Uncertain significance. Last evaluated: 2024-04-22. Review status: criteria provided, single submitter. Criteria: Invitae Variant Classification Sherloc (09022015). Collection method: clinical testing. Allele origin: germline.
Comment: This sequence change replaces glutamine, which is neutral and polar, with glutamic acid, which is acidic and polar, at codon 95 of the SMAD2 protein (p.Gln95Glu). This variant is present in population databases (rs757084234, gnomAD 0.0009%). This variant has not been reported in the literature in individuals affected with SMAD2-related conditions. Advanced modeling of protein sequence and biophysical properties (such as structural, functional, and spatial information, amino acid conservation, physicochemical variation, residue mobility, and thermodynamic stability) performed at Invitae indicates that this missense variant is not expected to disrupt SMAD2 protein function with a negative predictive value of 95%. In summary, the available evidence is currently insufficient to determine the role of this variant in disease. Therefore, it has been classified as a Variant of Uncertain Significance.

NM_005901.6(SMAD2):c.283C>G (p.Gln95Glu)

Gene: SMAD2 (SMAD family member 2; minus strand). Cytogenetic location: 18q21.1.
Variant type: single nucleotide variant.
Coding change: c.283C>G on transcript NM_005901.6 (MANE Select); coding-DNA position 283, C replaced by G.
Protein change: p.Gln95Glu; replaces glutamine 95 with glutamic acid.
Molecular consequence: missense variant. On other transcripts: intron variant (1).
Genome position (GRCh38, 1-based): chr18:47,870,518, G>C on the plus strand (C>G on the coding strand, the complement: SMAD2 is on the minus strand). VCF-style: chr18-47870518-G-C. GRCh37 (hg19) VCF-style: chr18-45396889-G-C.
Other names: c.283C>G, p.Gln95Glu (NM_001003652.4); c.237-1082C>G (NM_001135937.3); short protein forms Q95E.
Identifiers: ClinVar variation 3687490 (VCV003687490.2).